The following is an entry in ClinVar:

ClinVar aggregate classification (germline): Pathogenic (1 of 4 stars; one submission).

Submission:

Labcorp Genetics (formerly Invitae), Labcorp
Classification: Pathogenic. Last evaluated: 2023-05-20. Review status: criteria provided, single submitter. Criteria: Invitae Variant Classification Sherloc (09022015). Collection method: clinical testing. Allele origin: germline.
Comment: For these reasons, this variant has been classified as Pathogenic. ClinVar contains an entry for this variant (Variation ID: 2014585). This variant has not been reported in the literature in individuals affected with MYO7A-related conditions. This variant is not present in population databases (gnomAD no frequency). This sequence change creates a premature translational stop signal (p.Gly1222Argfs*7) in the MYO7A gene. It is expected to result in an absent or disrupted protein product. Loss-of-function variants in MYO7A are known to be pathogenic (PMID: 8900236, 25404053).

Literature cited by the submitters: PubMed 8900236; PubMed 25404053.

NM_000260.4(MYO7A):c.3664_3673del (p.Gly1222fs)

Gene: MYO7A (myosin VIIA; plus strand). Cytogenetic location: 11q13.5.
Variant type: Deletion.
Coding change: c.3664_3673del on transcript NM_000260.4 (MANE Select); coding-DNA positions 3664 to 3673, 10 bases deleted (GGCTACGCCC; older notation c.3664_3673delGGCTACGCCC).
Protein change: p.Gly1222fs; shifts the reading frame from glycine 1222.
Molecular consequence: frameshift variant.
Genome position (GRCh38, 1-based): chr11:77,190,053-77,190,062, GGCTACGCCC deleted; deleting any 10 consecutive bases within chr11:77,190,048-77,190,062 gives the same sequence; the c. name uses the placement nearest the transcript's 3' end. VCF-style (leftmost placement, unchanged base first): chr11-77190047-CCGCCCGGCTA-C. GRCh37 (hg19) VCF-style: chr11-76901092-CCGCCCGGCTA-C.
Other names: c.3664_3673del, p.Gly1222fs (NM_001127180.2); c.3631_3640del, p.Gly1211fs (NM_001369365.1); short protein forms G1211fs, G1222fs.
Identifiers: ClinVar variation 2014585 (VCV002014585.4), dbSNP rs2497360984, ClinGen allele CA2580084998.
Genomic context (GRCh38, chr11:77,190,047, plus strand): 5'-CAGGGGCCGCCTCAGCGGGTACTCTGGCTGCAGTACCTGCGGAACTTCATCCACGGGGGC[CCGCCCGGCTA>C]CGCCCCGTACTGTGAGGAGCGCCTGAGAAGGACCTTTGTCAATGGGACACGGACACAGCC-3'